The following is an entry in ClinVar:

ClinVar aggregate classification (germline): Uncertain significance (1 of 4 stars; one submission).

Conditions:
Primary ciliary dyskinesia. Also called: Ciliary dyskinesia. Identifiers: Orphanet 244, MedGen C0008780, MONDO:0016575, HP:0012265.

gnomAD v4.1: 1 of 1,575,972 alleles (0.000063%); highest among the groups gnomAD compares: Non-Finnish European, 0.000086%; no homozygotes.

Submission:

Labcorp Genetics (formerly Invitae), Labcorp
Classification: Uncertain significance for Primary ciliary dyskinesia. Last evaluated: 2021-11-14. Review status: criteria provided, single submitter. Criteria: Invitae Variant Classification Sherloc (09022015). Collection method: clinical testing. Allele origin: germline.
Comment: This sequence change replaces lysine, which is basic and polar, with threonine, which is neutral and polar, at codon 772 of the DNAH11 protein (p.Lys772Thr). In summary, the available evidence is currently insufficient to determine the role of this variant in disease. Therefore, it has been classified as a Variant of Uncertain Significance. Advanced modeling of protein sequence and biophysical properties (such as structural, functional, and spatial information, amino acid conservation, physicochemical variation, residue mobility, and thermodynamic stability) performed at Invitae indicates that this missense variant is not expected to disrupt DNAH11 protein function. This variant has not been reported in the literature in individuals affected with DNAH11-related conditions. This variant is not present in population databases (gnomAD no frequency).

NM_001277115.2(DNAH11):c.2315A>C (p.Lys772Thr)

Gene: DNAH11 (dynein axonemal heavy chain 11; plus strand). Cytogenetic location: 7p15.3.
Variant type: single nucleotide variant.
Coding change: c.2315A>C on transcript NM_001277115.2 (MANE Select); coding-DNA position 2315, A replaced by C.
Protein change: p.Lys772Thr; replaces lysine 772 with threonine.
Molecular consequence: missense variant.
Genome position (GRCh38, 1-based): chr7:21,591,225, A>C. VCF-style: chr7-21591225-A-C. GRCh37 (hg19) VCF-style: chr7-21630843-A-C.
Other names: short protein forms K772T.
Identifiers: ClinVar variation 1407859 (VCV001407859.6), dbSNP rs1489275422, ClinGen allele CA366942404.